The following is an entry in ClinVar:

NM_133261.3(GIPC3):c.*677C>T

Gene: GIPC3 (GIPC PDZ domain containing family member 3; plus strand). Cytogenetic location: 19p13.3.
Variant type: single nucleotide variant.
Coding change: c.*677C>T on transcript NM_133261.3 (MANE Select); 677 bases downstream of the stop codon, C replaced by T.
Molecular consequence: 3 prime UTR variant. On other transcripts: synonymous variant (1).
Genome position (GRCh38, 1-based): chr19:3,590,867, C>T. VCF-style: chr19-3590867-C-T. GRCh37 (hg19) VCF-style: chr19-3590865-C-T.
Other names: c.1629C>T, p.Ser543= (NM_001411144.1).
Identifiers: ClinVar variation 2648996 (VCV002648996.24), dbSNP rs1479172037, ClinGen allele CA631515086.

ClinVar aggregate classification (germline): Likely benign (1 of 4 stars; one submission).

Allele frequency attached by ClinVar (database versions not stated): gnomAD exomes 0.00015; gnomAD 0.00321.
gnomAD v4.1: 376 of 1,007,782 alleles (0.037%); highest among the groups gnomAD compares: Admixed American, 0.25%; 1 homozygote.

Submission:

CeGaT Center for Human Genetics Tuebingen
Classification: Likely benign. Last evaluated: 2025-02-01. Review status: criteria provided, single submitter. Criteria: CeGaT Center For Human Genetics Tuebingen Variant Classification Criteria Version 2. Collection method: clinical testing. Allele origin: germline. Affected: yes. Observed: 2 variant alleles.
Comment: GIPC3: BP4, BP7